The following is an entry in ClinVar:

NM_005502.4(ABCA1):c.3173A>C (p.Glu1058Ala)

Gene: ABCA1 (ATP binding cassette subfamily A member 1; minus strand). Cytogenetic location: 9q31.1.
Variant type: single nucleotide variant.
Coding change: c.3173A>C on transcript NM_005502.4 (MANE Select); coding-DNA position 3173, A replaced by C.
Protein change: p.Glu1058Ala; replaces glutamic acid 1058 with alanine.
Molecular consequence: missense variant.
Genome position (GRCh38, 1-based): chr9:104,819,654, T>G on the plus strand (A>C on the coding strand, the complement: ABCA1 is on the minus strand). VCF-style: chr9-104819654-T-G. GRCh37 (hg19) VCF-style: chr9-107581935-T-G.
Other names: short protein forms E1058A.
Identifiers: ClinVar variation 3493502 (VCV003493502.1).

ClinVar aggregate classification (germline): Uncertain significance (1 of 4 stars; one submission).

Conditions:
Cardiovascular phenotype. Identifiers: MedGen CN230736.

Submission:

Ambry Genetics
Classification: Uncertain significance for Cardiovascular phenotype. Last evaluated: 2024-10-21. Review status: criteria provided, single submitter. Criteria: Ambry Variant Classification Scheme 2023. Collection method: clinical testing. Allele origin: germline.
Comment: The p.E1058A variant (also known as c.3173A>C), located in coding exon 21 of the ABCA1 gene, results from an A to C substitution at nucleotide position 3173. The glutamic acid at codon 1058 is replaced by alanine, an amino acid with dissimilar properties. This amino acid position is conserved. In addition, this alteration is predicted to be deleterious by in silico analysis. Based on the available evidence, the clinical significance of this variant remains unclear.